The following is an entry in ClinVar:

ClinVar aggregate classification (germline): Uncertain significance (1 of 4 stars; one submission).

Conditions:
PURA-related severe neonatal hypotonia-seizures-encephalopathy syndrome (NEDRIHF). Also called: PURA-Related Neurodevelopmental Disorders; NEURODEVELOPMENTAL DISORDER WITH NEONATAL RESPIRATORY INSUFFICIENCY, HYPOTONIA, AND FEEDING DIFFICULTIES. Identifiers: Orphanet 438213, Orphanet 438216, MedGen C4015357, MONDO:1060108, OMIM 616158, MONDO:0018580.

Submission:

Labcorp Genetics (formerly Invitae), Labcorp
Classification: Uncertain significance for PURA-related severe neonatal hypotonia-seizures-encephalopathy syndrome. Last evaluated: 2019-11-03. Review status: criteria provided, single submitter. Criteria: Invitae Variant Classification Sherloc (09022015). Collection method: clinical testing. Allele origin: germline.
Comment: The frequency data for this variant in the population databases is considered unreliable, as metrics indicate insufficient coverage at this position in the ExAC database. In summary, the available evidence is currently insufficient to determine the role of this variant in disease. Therefore, it has been classified as a Variant of Uncertain Significance. Experimental studies and prediction algorithms are not available or were not evaluated, and the functional significance of this variant is currently unknown. This variant has not been reported in the literature in individuals with PURA-related conditions. This variant, c.127_138dup, results in the insertion of 4 amino acid(s) to the PURA protein (p.Ser43_Gly46dup), but otherwise preserves the integrity of the reading frame.

NM_005859.5(PURA):c.127_138dup (p.Ser43_Gly46dup)

Gene: PURA (purine rich element binding protein A; plus strand). Cytogenetic location: 5q31.3.
Variant type: Duplication.
Coding change: c.127_138dup on transcript NM_005859.5 (MANE Select); coding-DNA positions 127 to 138, 12 bases duplicated (AGTGGCGGCGGC).
Protein change: p.Ser43_Gly46dup.
Molecular consequence: inframe insertion.
Genome position (GRCh38, 1-based): chr5:140,114,308-140,114,319, AGTGGCGGCGGC duplicated; duplicating any 12 consecutive bases within chr5:140,114,299-140,114,319 gives the same sequence; the c. name uses the placement nearest the transcript's 3' end. VCF-style (leftmost placement, unchanged base first): chr5-140114298-C-CGGCGGCGGCAGT. GRCh37 (hg19) VCF-style: chr5-139493883-C-CGGCGGCGGCAGT.
Identifiers: ClinVar variation 970292 (VCV000970292.10), dbSNP rs756194966, ClinGen allele CA1082183802.